The following is an entry in ClinVar:

NM_015295.3(SMCHD1):c.5038C>G (p.Pro1680Ala)

Gene: SMCHD1 (structural maintenance of chromosomes flexible hinge domain containing 1; plus strand). Cytogenetic location: 18p11.32.
Variant type: single nucleotide variant.
Coding change: c.5038C>G on transcript NM_015295.3 (MANE Select); coding-DNA position 5038, C replaced by G.
Protein change: p.Pro1680Ala; replaces proline 1680 with alanine.
Molecular consequence: missense variant.
Genome position (GRCh38, 1-based): chr18:2,771,604, C>G. VCF-style: chr18-2771604-C-G. GRCh37 (hg19) VCF-style: chr18-2771602-C-G.
Other names: short protein forms P1680A.
Identifiers: ClinVar variation 290894 (VCV000290894.9), dbSNP rs769986044, ClinGen allele CA10606934.
Genomic context (GRCh38, chr18:2,771,604, plus strand): 5'-GAAGCAAGATTAAAAGAGGCCCAATTGCGAAATGAACTAAAAATACATAATATTGACATT[C>G]CTACAACACAACAGGTACAGCTTCCAACTATACGTGAAAGATTTTTTATTAAAGTCTATT-3'
Protein context (NP_056110.2, residues 1670-1690): NELKIHNIDI[Pro1680Ala]TTQQVPHIEA

ClinVar aggregate classification (germline): Uncertain significance. Review status: criteria provided, multiple submitters, no conflicts (2 of 4 stars). 2 submissions from 2 submitters: Uncertain significance (2). Last evaluated 2022-10-08.

Conditions:
Facioscapulohumeral muscular dystrophy 2 (FSHD2). Also called: MUSCULAR DYSTROPHY, FACIOSCAPULOHUMERAL, TYPE 1B; FACIOSCAPULOHUMERAL MUSCULAR DYSTROPHY 2, DIGENIC; FSHD2, DIGENIC. Identifiers: Orphanet 269, MedGen C1834671, MONDO:0008031, OMIM 158901.

gnomAD v4.1: 3 of 1,563,596 alleles (0.00019%); highest among the groups gnomAD compares: Admixed American, 0.0022%; no homozygotes.

Submissions (2):

Labcorp Genetics (formerly Invitae), Labcorp
Classification: Uncertain significance for Facioscapulohumeral muscular dystrophy 2. Last evaluated: 2022-10-08. Review status: criteria provided, single submitter. Criteria: Invitae Variant Classification Sherloc (09022015). Collection method: clinical testing. Allele origin: germline.
Comment: This variant has not been reported in the literature in individuals affected with SMCHD1-related conditions. ClinVar contains an entry for this variant (Variation ID: 290894). Advanced modeling of protein sequence and biophysical properties (such as structural, functional, and spatial information, amino acid conservation, physicochemical variation, residue mobility, and thermodynamic stability) performed at Invitae indicates that this missense variant is not expected to disrupt SMCHD1 protein function. In summary, the available evidence is currently insufficient to determine the role of this variant in disease. Therefore, it has been classified as a Variant of Uncertain Significance. This variant is not present in population databases (gnomAD no frequency). This sequence change replaces proline, which is neutral and non-polar, with alanine, which is neutral and non-polar, at codon 1680 of the SMCHD1 protein (p.Pro1680Ala).

Eurofins Ntd Llc (ga)
Classification: Uncertain significance. Last evaluated: 2016-08-23. Review status: criteria provided, single submitter. Criteria: EGL Classification Definitions 2015. Collection method: clinical testing. Allele origin: germline. Observed: 1 variant allele, 1 heterozygote.